The following is an entry in ClinVar:

ClinVar aggregate classification (germline): Uncertain significance. Review status: criteria provided, multiple submitters, no conflicts (2 of 4 stars). 2 submissions from 2 submitters: Uncertain significance (2). Last evaluated 2025-08-28.

gnomAD v4.1: 6 of 1,601,128 alleles (0.00037%); highest among the groups gnomAD compares: Admixed American, 0.0069%; no homozygotes.

Submissions (2):

Ambry Genetics
Classification: Uncertain significance. Last evaluated: 2025-08-28. Review status: criteria provided, single submitter. Criteria: Ambry Variant Classification Scheme 2023. Collection method: clinical testing. Allele origin: germline.

Labcorp Genetics (formerly Invitae), Labcorp
Classification: Uncertain significance. Last evaluated: 2025-07-29. Review status: criteria provided, single submitter. Criteria: Invitae Variant Classification Sherloc (09022015). Collection method: clinical testing. Allele origin: germline.
Comment: This sequence change replaces proline, which is neutral and non-polar, with alanine, which is neutral and non-polar, at codon 363 of the IRF2BP2 protein (p.Pro363Ala). This variant is present in population databases (rs773862476, gnomAD 0.006%). This variant has not been reported in the literature in individuals affected with IRF2BP2-related conditions. An algorithm developed to predict the effect of missense changes on protein structure and function (PolyPhen-2) suggests that this variant is likely to be disruptive. In summary, the available evidence is currently insufficient to determine the role of this variant in disease. Therefore, it has been classified as a Variant of Uncertain Significance.

NM_182972.3(IRF2BP2):c.1087C>G (p.Pro363Ala)

Gene: IRF2BP2 (interferon regulatory factor 2 binding protein 2; minus strand). Cytogenetic location: 1q42.3.
Variant type: single nucleotide variant.
Coding change: c.1087C>G on transcript NM_182972.3 (MANE Select); coding-DNA position 1087, C replaced by G.
Protein change: p.Pro363Ala; replaces proline 363 with alanine.
Molecular consequence: missense variant.
Genome position (GRCh38, 1-based): chr1:234,607,814, G>C on the plus strand (C>G on the coding strand, the complement: IRF2BP2 is on the minus strand). VCF-style: chr1-234607814-G-C. GRCh37 (hg19) VCF-style: chr1-234743560-G-C.
Other names: c.1039C>G, p.Pro347Ala (NM_001077397.1); short protein forms P363A, P347A.
Identifiers: ClinVar variation 4276700 (VCV004276700.2).
Genomic context (GRCh38, chr1:234,607,814, plus strand): 5'-ATGTGGACAGCCACGGCTGGGCCTCTCCGTTGATCTTAGGGGGCCCGACTTCACCTTCTG[G>C]TTCTGGAGAGGGCTTCCTTTTCCTTGCTGTTCTTGCAACTGGAAACACAAAGAAATAAAA-3'
Protein context (NP_892017.2, residues 353-373): TARKRKPSPE[Pro363Ala]EGEVGPPKIN